The following is an entry in ClinVar:

ClinVar aggregate classification (germline): Benign/Likely benign. Review status: criteria provided, multiple submitters, no conflicts (2 of 4 stars). 4 submissions from 4 submitters: Benign (2); Likely benign (2). Last evaluated 2026-01-19.

Allele frequency attached by ClinVar (database versions not stated): 1000 Genomes Project 30x 0.00031; TOPMed 0.00038; 1000 Genomes Project 0.00040; ESP Exome Variant Server 0.00040; gnomAD exomes 0.00064 and 0.00096; ExAC 0.00120; gnomAD 0.00156.
gnomAD v4.1: 1,056 of 1,602,094 alleles (0.066%); highest among the groups gnomAD compares: Non-Finnish European, 0.049%; 1 homozygote.

Submissions (4):

Labcorp Genetics (formerly Invitae), Labcorp
Classification: Benign. Last evaluated: 2026-01-19. Review status: criteria provided, single submitter. Criteria: Invitae Variant Classification Sherloc (09022015). Collection method: clinical testing. Allele origin: germline.

CeGaT Center for Human Genetics Tuebingen
Classification: Likely benign. Last evaluated: 2025-01-01. Review status: criteria provided, single submitter. Criteria: CeGaT Center For Human Genetics Tuebingen Variant Classification Criteria Version 2. Collection method: clinical testing. Allele origin: germline. Affected: yes. Observed: 5 variant alleles.
Comment: TBCD: BP4, BP7

Blueprint Genetics
Classification: Likely benign. Last evaluated: 2024-11-26. Review status: criteria provided, single submitter. Criteria: ACMG Guidelines, 2015. Collection method: clinical testing. Allele origin: germline.

Breakthrough Genomics
Classification: Benign. Review status: criteria provided, single submitter. Criteria: ACMG Guidelines, 2015. Collection method: not provided. Allele origin: germline. Inheritance: Autosomal recessive inheritance. Affected: yes.

NM_005993.5(TBCD):c.3537C>T (p.Gly1179=)

Gene: TBCD (tubulin folding cofactor D). Cytogenetic location: 17q25.3.
Variant type: single nucleotide variant.
Coding change: c.3537C>T on transcript NM_005993.5 (MANE Select); coding-DNA position 3537, C replaced by T.
Protein change: p.Gly1179=; no amino-acid change (glycine 1179 retained).
Molecular consequence: synonymous variant.
Genome position (GRCh38, 1-based): chr17:82,941,456, C>T. VCF-style: chr17-82941456-C-T. GRCh37 (hg19) VCF-style: chr17-80899332-C-T.
Identifiers: ClinVar variation 745095 (VCV000745095.35), dbSNP rs180720643, ClinGen allele CA8863683.
Genomic context (GRCh38, chr17:82,941,456, plus strand): 5'-CAGGGACGCGGAGCTTGCAGTGGTGAGAGAGCAGCGCAACCGTCTGTGTGACCTTCTGGG[C>T]GTACCCAGGCCCCAGCTGGTGCCCCAGGTAACCCTGTCACCTTCACAGCATGAGGTGCCT-3'
Protein context (NP_005984.3, residues 1169-1189): EQRNRLCDLL[Gly1179=]VPRPQLVPQP